The following is an entry in ClinVar:

NM_001110556.2(FLNA):c.1208A>C (p.Tyr403Ser)

Gene: FLNA (filamin A; minus strand). Cytogenetic location: Xq28.
Variant type: single nucleotide variant.
Coding change: c.1208A>C on transcript NM_001110556.2 (MANE Select); coding-DNA position 1208, A replaced by C.
Protein change: p.Tyr403Ser; replaces tyrosine 403 with serine.
Molecular consequence: missense variant.
Genome position (GRCh38, 1-based): chrX:154,366,328, T>G on the plus strand (A>C on the coding strand, the complement: FLNA is on the minus strand). VCF-style: chrX-154366328-T-G. GRCh37 (hg19) VCF-style: chrX-153594696-T-G.
Other names: p.Tyr403Ser; c.1208A>C, p.Tyr403Ser (NM_001456.4); short protein forms Y403S.
Identifiers: ClinVar variation 2683603 (VCV002683603.4), dbSNP rs2067760079, ClinGen allele CA415244136.
Genomic context (GRCh38, chrX:154,366,328, plus strand): 5'-CTCCCCACAGACCAGCTGGGCCTTGGCAGCCTCCCCTCACCTGCCGTAAAGATCTCAAAG[T>G]AGGTGGTCTTGTTGGCGATGTTGCCACTGGGCTCCAGGCCGGGACCTTGGGCTGTCACTT-3'
Protein context (NP_001104026.1, residues 393-413): PSGNIANKTT[Tyr403Ser]FEIFTAGAGT

ClinVar aggregate classification (germline): Uncertain significance. Review status: criteria provided, multiple submitters, no conflicts (2 of 4 stars). 2 submissions from 2 submitters: Uncertain significance (2). Last evaluated 2024-05-02.

Conditions:
Heterotopia, periventricular, X-linked dominant (PVNH1). Also called: PERIVENTRICULAR NODULAR HETEROTOPIA 1; X-linked periventricular heterotopia; PERIVENTRICULAR NODULAR HETEROTOPIA 4; HETEROTOPIA, PERIVENTRICULAR, 1. Identifiers: Orphanet 2149, Orphanet 82004, MedGen C1848213, MONDO:0010233, OMIM 300049.
Melnick-Needles syndrome (MNS). Also called: MELNICK-NEEDLES OSTEODYSPLASTY; OSTEODYSPLASTY OF MELNICK AND NEEDLES; Melnick-Needles Syndrome (FLNA-MNS). Identifiers: Orphanet 2484, MedGen C0025237, MONDO:0010650, OMIM 309350.
Frontometaphyseal dysplasia (FMD1). Identifiers: Orphanet 1826, MedGen C0265293, MONDO:0015942.
Oto-palato-digital syndrome, type II (OPD2). Also called: FACIOPALATOOSSEOUS SYNDROME; OPD II SYNDROME; Otopalatodigital Syndrome, Type II; Otopalatodigital Syndrome Type 2 (FLNA-OPD2). Identifiers: Orphanet 669, Orphanet 90652, MedGen C1844696, MONDO:0010571, OMIM 304120.

Allele frequency attached by ClinVar (database versions not stated): TOPMed 0.00002.
gnomAD v4.1: 1 of 1,211,920 alleles (0.000083%); no homozygotes.

Submissions (2):

Labcorp Genetics (formerly Invitae), Labcorp
Classification: Uncertain significance for Oto-palato-digital syndrome, type II; Heterotopia, periventricular, X-linked dominant; Frontometaphyseal dysplasia; Melnick-Needles syndrome. Last evaluated: 2024-05-02. Review status: criteria provided, single submitter. Criteria: Invitae Variant Classification Sherloc (09022015). Collection method: clinical testing. Allele origin: germline.
Comment: This sequence change replaces tyrosine, which is neutral and polar, with serine, which is neutral and polar, at codon 403 of the FLNA protein (p.Tyr403Ser). This variant is not present in population databases (gnomAD no frequency). This variant has not been reported in the literature in individuals affected with FLNA-related conditions. Advanced modeling of protein sequence and biophysical properties (such as structural, functional, and spatial information, amino acid conservation, physicochemical variation, residue mobility, and thermodynamic stability) performed at Invitae indicates that this missense variant is not expected to disrupt FLNA protein function with a negative predictive value of 95%. In summary, the available evidence is currently insufficient to determine the role of this variant in disease. Therefore, it has been classified as a Variant of Uncertain Significance.

Mayo Clinic Laboratories, Mayo Clinic
Classification: Uncertain significance. Last evaluated: 2023-04-20. Review status: criteria provided, single submitter. Criteria: ACMG Guidelines, 2015. Collection method: clinical testing. Allele origin: germline. Observed: 1 variant allele.
Comment: PP2, PM2_supporting